The following is an entry in ClinVar:

ClinVar aggregate classification (germline): Likely benign. Review status: criteria provided, multiple submitters, no conflicts (2 of 4 stars). 5 submissions from 5 submitters: Likely benign (5). Last evaluated 2025-09-01.

Conditions:
INPP5K-related disorder. Also called: INPP5K-related condition.

Allele frequency attached by ClinVar (database versions not stated): gnomAD exomes 0.00112 and 0.00189; gnomAD 0.00113 and 0.00119; TOPMed 0.00114; ExAC 0.00126; ESP Exome Variant Server 0.00161.
gnomAD v4.1: 2,896 of 1,614,042 alleles (0.18%); highest among the groups gnomAD compares: Non-Finnish European, 0.23%; 7 homozygotes.

Submissions (5):

CeGaT Center for Human Genetics Tuebingen
Classification: Likely benign. Last evaluated: 2025-09-01. Review status: criteria provided, single submitter. Criteria: CeGaT Center For Human Genetics Tuebingen Variant Classification Criteria Version 2. Collection method: clinical testing. Allele origin: germline. Affected: yes. Observed: 7 variant alleles.
Comment: INPP5K: BP4, BP7

PreventionGenetics, part of Exact Sciences
Classification: Likely benign for INPP5K-related condition. Last evaluated: 2025-02-21. Review status: criteria provided, single submitter. Criteria: ACMG Guidelines, 2015. Collection method: clinical testing. Allele origin: germline.
Comment: This variant is classified as likely benign based on ACMG/AMP sequence variant interpretation guidelines (Richards et al. 2015 PMID: 25741868, with internal and published modifications).

Blueprint Genetics
Classification: Likely benign. Last evaluated: 2024-11-26. Review status: criteria provided, single submitter. Criteria: ACMG Guidelines, 2015. Collection method: clinical testing. Allele origin: germline.

Labcorp Genetics (formerly Invitae), Labcorp
Classification: Likely benign. Last evaluated: 2019-12-31. Review status: criteria provided, single submitter. Criteria: Invitae Variant Classification Sherloc (09022015). Collection method: clinical testing. Allele origin: germline.

Breakthrough Genomics
Classification: Likely benign. Review status: criteria provided, single submitter. Criteria: ACMG Guidelines, 2015. Collection method: not provided. Allele origin: germline. Inheritance: Autosomal recessive inheritance. Affected: yes.

NM_016532.4(INPP5K):c.213G>A (p.Ser71=)

Gene: INPP5K (inositol polyphosphate-5-phosphatase K; minus strand). Cytogenetic location: 17p13.3.
Variant type: single nucleotide variant.
Coding change: c.213G>A on transcript NM_016532.4 (MANE Select); coding-DNA position 213, G replaced by A.
Protein change: p.Ser71=; no amino-acid change (serine 71 retained).
Molecular consequence: synonymous variant. On other transcripts: 5 prime UTR variant (2).
Genome position (GRCh38, 1-based): chr17:1,513,501, C>T on the plus strand (G>A on the coding strand, the complement: INPP5K is on the minus strand). VCF-style: chr17-1513501-C-T. GRCh37 (hg19) VCF-style: chr17-1416795-C-T.
Other names: c.-16G>A (NM_001135642.2, NM_130766.3).
Identifiers: ClinVar variation 727392 (VCV000727392.31), dbSNP rs141143176, ClinGen allele CA8268666.
Genomic context (GRCh38, chr17:1,513,501, plus strand): 5'-CTGGCAAGTTACCTTGATGAAGCTCAGAGGGGAAAGCACATCCATGAGGAAACTGCTCCA[C>T]GAGTCATTAAAGGCAGCATCGGAAAGGAGGCTTATGATCCCAGAGTTCAATTCCTGCAAA-3'
Protein context (NP_057616.2, residues 61-81): SLLSDAAFND[Ser71=]WSSFLMDVLS